The following is an entry in ClinVar:

NM_000540.3(RYR1):c.2589G>A (p.Pro863=)

Gene: RYR1 (ryanodine receptor 1; plus strand). Cytogenetic location: 19q13.2.
Variant type: single nucleotide variant.
Coding change: c.2589G>A on transcript NM_000540.3 (MANE Select); coding-DNA position 2589, G replaced by A.
Protein change: p.Pro863=; no amino-acid change (proline 863 retained).
Molecular consequence: synonymous variant.
Genome position (GRCh38, 1-based): chr19:38,463,434, G>A. VCF-style: chr19-38463434-G-A. GRCh37 (hg19) VCF-style: chr19-38954074-G-A.
Other names: c.2589G>A, p.Pro863= (NM_001042723.2).
Identifiers: ClinVar variation 753336 (VCV000753336.12), dbSNP rs533971791, ClinGen allele CA063561.

ClinVar aggregate classification (germline): Likely benign. Review status: criteria provided, multiple submitters, no conflicts (2 of 4 stars). 4 submissions from 4 submitters: Likely benign (3). 1 of the submissions does not count toward it. Last evaluated 2025-10-02.

Conditions:
RYR1-related disorder. Also called: RYR1-related disorders; RYR1-related condition. Identifiers: MedGen CN239331.
Malignant hyperthermia, susceptibility to, 1 (MHS1). Also called: RYR1-Related Malignant Hyperthermia Susceptibility; Malignant hyperthermia suceptibility 1; Anesthesia related hyperthermia; Malignant hyperpyrexia; Fulminating hyperpyrexia; Pharmacogenic myopathy. Identifiers: Orphanet 423, MedGen C2930980, MONDO:0007783, OMIM 145600.

Allele frequency attached by ClinVar (database versions not stated): gnomAD 0.00001; gnomAD exomes 0.00001 and 0.00002; TOPMed 0.00001; ExAC 0.00003; 1000 Genomes Project 0.00020; 1000 Genomes Project 30x 0.00031.
gnomAD v4.1: 16 of 1,613,866 alleles (0.00099%); highest among the groups gnomAD compares: South Asian, 0.0044%; no homozygotes.

Submissions (4):

Labcorp Genetics (formerly Invitae), Labcorp
Classification: Likely benign for RYR1-related disorder. Last evaluated: 2025-10-02. Review status: criteria provided, single submitter. Criteria: Invitae Variant Classification Sherloc (09022015). Collection method: clinical testing. Allele origin: germline.

All of Us Research Program, National Institutes of Health
Classification: Likely benign for Malignant hyperthermia, susceptibility to, 1. Last evaluated: 2023-07-10. Review status: criteria provided, single submitter. Criteria: ACMG Guidelines, 2015. Collection method: clinical testing. Allele origin: germline. Inheritance: Autosomal dominant inheritance. Observed: 2 variant alleles, 2 heterozygotes.
Comment: This study involves interpretation of variants in research participants for the purpose of population health screening. Participant phenotype was not available at the time of variant classification. Additional details can be found in publication PMID: 35346344, PMCID: PMC8962531

Color Diagnostics, LLC DBA Color Health
Classification: Likely benign for Malignant hyperthermia, susceptibility to, 1. Last evaluated: 2022-11-06. Review status: criteria provided, single submitter. Criteria: ACMG Guidelines, 2015. Collection method: clinical testing. Allele origin: germline.

PreventionGenetics, part of Exact Sciences
Classification: Likely benign for RYR1-related condition. Last evaluated: 2022-08-07. Review status: no assertion criteria provided. Collection method: clinical testing. Allele origin: germline. Not counted in ClinVar's aggregate classification.
Comment: This variant is classified as likely benign based on ACMG/AMP sequence variant interpretation guidelines (Richards et al. 2015 PMID: 25741868, with internal and published modifications).